The following is an entry in ClinVar:

NM_005101.4(ISG15):c.296G>A (p.Arg99Gln)

Gene: ISG15 (ISG15 ubiquitin like modifier; plus strand). Cytogenetic location: 1p36.33.
Variant type: single nucleotide variant.
Coding change: c.296G>A on transcript NM_005101.4 (MANE Select); coding-DNA position 296, G replaced by A.
Protein change: p.Arg99Gln; replaces arginine 99 with glutamine.
Molecular consequence: missense variant.
Genome position (GRCh38, 1-based): chr1:1,014,276, G>A. VCF-style: chr1-1014276-G-A. GRCh37 (hg19) VCF-style: chr1-949656-G-A.
Other names: c.296G>A, p.Arg99Gln (LRG_1231t1); short protein forms R99Q.
Identifiers: ClinVar variation 568195 (VCV000568195.14), dbSNP rs374404353, ClinGen allele CA507669.

ClinVar aggregate classification (germline): Conflicting classifications of pathogenicity. Review status: criteria provided, conflicting classifications (1 of 4 stars). 5 submissions from 5 submitters: Uncertain significance (2); Likely benign (3). Last evaluated 2026-01-19.

Conditions:
Mendelian susceptibility to mycobacterial diseases due to complete ISG15 deficiency. Also called: IMMUNODEFICIENCY 38, MYCOBACTERIOSIS, AUTOSOMAL RECESSIVE; ISG15 DEFICIENCY, AUTOSOMAL RECESSIVE; Immunodeficiency 38 with basal ganglia calcification; Immunodeficiency 38. Identifiers: Orphanet 319563, MedGen C4015293, MONDO:0014502, OMIM 616126.

Allele frequency attached by ClinVar (database versions not stated): gnomAD exomes 0.00006; ExAC 0.00007; TOPMed 0.00012; gnomAD 0.00018 and 0.00023.
gnomAD v4.1: 159 of 1,613,436 alleles (0.0099%); highest among the groups gnomAD compares: East Asian, 0.056%; 4 homozygotes.

Submissions (5):

Labcorp Genetics (formerly Invitae), Labcorp
Classification: Likely benign for Mendelian susceptibility to mycobacterial diseases due to complete ISG15 deficiency. Last evaluated: 2026-01-19. Review status: criteria provided, single submitter. Criteria: Invitae Variant Classification Sherloc (09022015). Collection method: clinical testing. Allele origin: germline.

Blueprint Genetics
Classification: Likely benign. Last evaluated: 2024-11-25. Review status: criteria provided, single submitter. Criteria: ACMG Guidelines, 2015. Collection method: clinical testing. Allele origin: germline.

Ambry Genetics
Classification: Likely benign. Last evaluated: 2022-05-25. Review status: criteria provided, single submitter. Criteria: Ambry Variant Classification Scheme 2023. Collection method: clinical testing. Allele origin: germline.

Revvity Omics, Revvity
Classification: Uncertain significance for Mendelian susceptibility to mycobacterial diseases due to complete ISG15 deficiency. Last evaluated: 2021-04-22. Review status: criteria provided, single submitter. Criteria: ACMG Guidelines, 2015. Collection method: clinical testing. Allele origin: germline.

Center for Genomics, Ann and Robert H. Lurie Children's Hospital of Chicago
Classification: Uncertain significance for Mendelian susceptibility to mycobacterial diseases due to complete ISG15 deficiency. Last evaluated: 2021-03-30. Review status: criteria provided, single submitter. Criteria: ACMG Guidelines, 2015. Collection method: clinical testing. Allele origin: germline.
Comment: ISG15 NM_005101.3 exon 2 p.Arg99Gln (c.296G>A): This variant has not been reported in the literature but is present in 0.06% (12/19930) of East Asian alleles in the Genome Aggregation Database. This variant is present in ClinVar (Variation ID:568195). This variant amino acid Glutamine (Gln) is present in >20 species including mammals and is not well conserved among evolutionarily distant species; this suggests that this variant may not impact the protein. Additional computational prediction tools do not suggest an impact. In summary, data on this variant is insufficient for disease classification. Therefore, the clinical significance of this variant is uncertain.